The following is an entry in ClinVar:

ClinVar aggregate classification (germline): Benign. Review status: criteria provided, single submitter (1 of 4 stars). 2 submissions from 2 submitters: Benign (1). 1 of the submissions does not count toward it. Last evaluated 2018-07-23.

Conditions:
DMXL1-related disorder. Also called: DMXL1-related condition.

Allele frequency attached by ClinVar (database versions not stated): gnomAD exomes 0.00056 and 0.00095; ExAC 0.00185; 1000 Genomes Project 0.00339; ESP Exome Variant Server 0.00339; gnomAD 0.00355 and 0.00379; TOPMed 0.00431.
gnomAD v4.1: 1,367 of 1,605,250 alleles (0.085%); highest among the groups gnomAD compares: African/African-American, 1.3%; 10 homozygotes.

Submissions (2):

Labcorp Genetics (formerly Invitae), Labcorp
Classification: Benign. Last evaluated: 2018-07-23. Review status: criteria provided, single submitter. Criteria: Invitae Variant Classification Sherloc (09022015). Collection method: clinical testing. Allele origin: germline.

PreventionGenetics, part of Exact Sciences
Classification: Benign for DMXL1-related condition. Last evaluated: 2019-04-25. Review status: no assertion criteria provided. Collection method: clinical testing. Allele origin: germline. Not counted in ClinVar's aggregate classification.
Comment: This variant is classified as benign based on ACMG/AMP sequence variant interpretation guidelines (Richards et al. 2015 PMID: 25741868, with internal and published modifications).

NM_001290321.3(DMXL1):c.36C>T (p.Asn12=)

Gene: DMXL1 (Dmx like 1; plus strand). Cytogenetic location: 5q23.1.
Variant type: single nucleotide variant.
Coding change: c.36C>T on transcript NM_001290321.3 (MANE Select); coding-DNA position 36, C replaced by T.
Protein change: p.Asn12=; no amino-acid change (asparagine 12 retained).
Molecular consequence: synonymous variant. On other transcripts: non-coding transcript variant (3).
Genome position (GRCh38, 1-based): chr5:119,071,605, C>T. VCF-style: chr5-119071605-C-T. GRCh37 (hg19) VCF-style: chr5-118407300-C-T.
Other names: c.36C>T, p.Asn12= (NM_001349239.2, NM_001349240.2, NM_001387933.1 and 4 more transcripts); c.36C>T (NM_001290321.2).
Identifiers: ClinVar variation 776061 (VCV000776061.5), dbSNP rs138845349, ClinGen allele CA3378968.